The following is an entry in ClinVar:

ClinVar aggregate classification (germline): Uncertain significance. Review status: criteria provided, multiple submitters, no conflicts (2 of 4 stars). 4 submissions from 4 submitters: Uncertain significance (4). Last evaluated 2026-08-01.

Conditions:
Paramyotonia congenita of Von Eulenburg. Also called: PARALYSIS PERIODICA PARAMYOTONICA; Paramyotonia Congenita; Eulenburg disease; Myotonia congenita intermittens; Von Eulenburg paramyotonia congenita. Identifiers: Orphanet 684, MedGen C0221055, MONDO:0008195, OMIM 168300. Disease mechanism: loss of function.
Congenital myasthenic syndrome 16. Identifiers: Orphanet 590, MedGen C3280112, MONDO:0013620, OMIM 614198.
Potassium-aggravated myotonia. Also called: MYOTONIA CONGENITA, ACETAZOLAMIDE-RESPONSIVE; MYOTONIA CONGENITA, ATYPICAL; SODIUM CHANNEL MUSCLE DISEASE; Myotonia congenita, atypical, acetazolamide-responsive. Identifiers: Orphanet 612, Orphanet 99734, Orphanet 99735, Orphanet 99736, MedGen C2931826, MONDO:0018959, OMIM 608390.
Hypokalemic periodic paralysis, type 2 (HOKPP2). Identifiers: Orphanet 681, MedGen C2750061, MONDO:0013234, OMIM 613345.
Hyperkalemic periodic paralysis. Also called: Familial hyperkalemic periodic paralysis; Gamstorp disease. Identifiers: Orphanet 682, MedGen C0238357, MONDO:0008224, OMIM 170500, HP:0007215.
Congenital myopathy 22A, classic (CMYO22A). Identifiers: MedGen C5830453, MONDO:0957247, OMIM 620351.
Congenital myopathy 22B, severe fetal (CMYO22B). Identifiers: MedGen C5830501, MONDO:0957265, OMIM 620369.

Allele frequency attached by ClinVar (database versions not stated): gnomAD exomes 0.00002 and 0.00003; TOPMed 0.00002; gnomAD 0.00003.
gnomAD v4.1: 50 of 1,613,546 alleles (0.0031%); highest among the groups gnomAD compares: Non-Finnish European, 0.0037%; no homozygotes.

Submissions (4):

CeGaT Center for Human Genetics Tuebingen
Classification: Uncertain significance. Last evaluated: 2026-08-01. Review status: criteria provided, single submitter. Criteria: CeGaT Center For Human Genetics Tuebingen Variant Classification Criteria Version 2. Collection method: clinical testing. Allele origin: germline. Affected: yes. Observed: 1 variant allele.

Fulgent Genetics
Classification: Uncertain significance for Paramyotonia congenita of Von Eulenburg; Hyperkalemic periodic paralysis; Potassium-aggravated myotonia; Hypokalemic periodic paralysis, type 2; Congenital myasthenic syndrome 16; Congenital myopathy 22A, classic; Congenital myopathy 22B, severe fetal. Last evaluated: 2024-06-10. Review status: criteria provided, single submitter. Criteria: ACMG Guidelines, 2015. Collection method: clinical testing. Allele origin: germline.

Labcorp Genetics (formerly Invitae), Labcorp
Classification: Uncertain significance for Hyperkalemic periodic paralysis. Last evaluated: 2024-02-06. Review status: criteria provided, single submitter. Criteria: Invitae Variant Classification Sherloc (09022015). Collection method: clinical testing. Allele origin: germline.
Comment: This sequence change replaces aspartic acid, which is acidic and polar, with asparagine, which is neutral and polar, at codon 1759 of the SCN4A protein (p.Asp1759Asn). This variant is present in population databases (no rsID available, gnomAD 0.005%). This variant has not been reported in the literature in individuals affected with SCN4A-related conditions. ClinVar contains an entry for this variant (Variation ID: 1421497). Advanced modeling of protein sequence and biophysical properties (such as structural, functional, and spatial information, amino acid conservation, physicochemical variation, residue mobility, and thermodynamic stability) has been performed at Invitae for this missense variant, however the output from this modeling did not meet the statistical confidence thresholds required to predict the impact of this variant on SCN4A protein function. In summary, the available evidence is currently insufficient to determine the role of this variant in disease. Therefore, it has been classified as a Variant of Uncertain Significance.

Revvity Omics, Revvity
Classification: Uncertain significance. Last evaluated: 2020-03-18. Review status: criteria provided, single submitter. Criteria: ACMG Guidelines, 2015. Collection method: clinical testing. Allele origin: germline.

NM_000334.4(SCN4A):c.5275G>A (p.Asp1759Asn)

Genes: GH-LCR (growth hormone locus control region; plus strand), SCN4A (sodium voltage-gated channel alpha subunit 4; minus strand). Cytogenetic location: 17q23.3.
Variant type: single nucleotide variant.
Coding change: c.5275G>A on transcript NM_000334.4 (MANE Select); coding-DNA position 5275, G replaced by A.
Protein change: p.Asp1759Asn; replaces aspartic acid 1759 with asparagine.
Molecular consequence: missense variant.
Genome position (GRCh38, 1-based): chr17:63,941,007, C>T on the plus strand (G>A on the coding strand, the complement: SCN4A is on the minus strand). VCF-style: chr17-63941007-C-T. GRCh37 (hg19) VCF-style: chr17-62018367-C-T.
Other names: short protein forms D1759N.
Identifiers: ClinVar variation 1421497 (VCV001421497.14), dbSNP rs1015807829, ClinGen allele CA400613072.